The following is an entry in ClinVar:

NM_003047.5(SLC9A1):c.409G>A (p.Val137Met)

Gene: SLC9A1 (solute carrier family 9 member A1; minus strand). Cytogenetic location: 1p36.11.
Variant type: single nucleotide variant.
Coding change: c.409G>A on transcript NM_003047.5 (MANE Select); coding-DNA position 409, G replaced by A.
Protein change: p.Val137Met; replaces valine 137 with methionine.
Molecular consequence: missense variant.
Genome position (GRCh38, 1-based): chr1:27,114,230, C>T on the plus strand (G>A on the coding strand, the complement: SLC9A1 is on the minus strand). VCF-style: chr1-27114230-C-T. GRCh37 (hg19) VCF-style: chr1-27440721-C-T.
Other names: short protein forms V137M.
Identifiers: ClinVar variation 2428921 (VCV002428921.2), dbSNP rs774757087, ClinGen allele CA711324.

ClinVar aggregate classification (germline): Uncertain significance (1 of 4 stars; one submission).

Allele frequency attached by ClinVar (database versions not stated): ExAC 0.00001; gnomAD 0.00001.
gnomAD v4.1: 1 of 1,613,874 alleles (0.000062%); highest among the groups gnomAD compares: Non-Finnish European, 0.000085%; no homozygotes.

Submission:

GeneDx
Classification: Uncertain significance. Last evaluated: 2022-08-01. Review status: criteria provided, single submitter. Criteria: GeneDx Variant Classification Process June 2021. Collection method: clinical testing. Allele origin: germline. Affected: yes.
Comment: Not observed at significant frequency in large population cohorts (gnomAD); In silico analysis supports that this missense variant does not alter protein structure/function; Has not been previously published as pathogenic or benign to our knowledge